The following is an entry in ClinVar:

ClinVar aggregate classification (germline): Uncertain significance (1 of 4 stars; one submission).

Conditions:
Cardiovascular phenotype. Identifiers: MedGen CN230736.

Allele frequency attached by ClinVar (database versions not stated): gnomAD 0.00001.
gnomAD v4.1: 1 of 1,613,752 alleles (0.000062%); highest among the groups gnomAD compares: African/African-American, 0.0013%; no homozygotes.

Submission:

Ambry Genetics
Classification: Uncertain significance for Cardiovascular phenotype. Last evaluated: 2021-06-03. Review status: criteria provided, single submitter. Criteria: Ambry Variant Classification Scheme 2023. Collection method: clinical testing. Allele origin: germline.
Comment: The p.Y842H variant (also known as c.2524T>C), located in coding exon 25 of the MYBPC3 gene, results from a T to C substitution at nucleotide position 2524. The tyrosine at codon 842 is replaced by histidine, an amino acid with similar properties. This amino acid position is highly conserved in available vertebrate species. In addition, this alteration is predicted to be deleterious by in silico analysis. Since supporting evidence is limited at this time, the clinical significance of this alteration remains unclear.

NM_000256.3(MYBPC3):c.2524T>C (p.Tyr842His)

Gene: MYBPC3 (myosin binding protein C3; minus strand). Cytogenetic location: 11p11.2.
Variant type: single nucleotide variant.
Coding change: c.2524T>C on transcript NM_000256.3 (MANE Select); coding-DNA position 2524, T replaced by C.
Protein change: p.Tyr842His; replaces tyrosine 842 with histidine.
Molecular consequence: missense variant.
Genome position (GRCh38, 1-based): chr11:47,337,469, A>G on the plus strand (T>C on the coding strand, the complement: MYBPC3 is on the minus strand). VCF-style: chr11-47337469-A-G. GRCh37 (hg19) VCF-style: chr11-47359020-A-G.
Other names: short protein forms Y842H.
Identifiers: ClinVar variation 1792582 (VCV001792582.2), dbSNP rs2095883482, ClinGen allele CA380318193.
Genomic context (GRCh38, chr11:47,337,469, plus strand): 5'-GGGAGGCAGGGCTGGGCCTGGACATGCCGATGGCGTTGACCGCGTAGACGCGCATCTCGT[A>G]CACCACGCCCTCGATCATGCGCCGCGCTTCATGACTCAGCTCCTGAATCAGGTCGAAGTT-3'
Protein context (NP_000247.2, residues 832-852): EARRMIEGVV[Tyr842His]EMRVYAVNAI